The following is an entry in ClinVar:

ClinVar aggregate classification (germline): Uncertain significance (1 of 4 stars; one submission).

gnomAD v4.1: 3 of 988,973 alleles (0.0003%); highest among the groups gnomAD compares: Non-Finnish European, 0.00038%; no homozygotes.

Submission:

Ambry Genetics
Classification: Uncertain significance. Last evaluated: 2026-04-01. Review status: criteria provided, single submitter. Criteria: Ambry Variant Classification Scheme 2023. Collection method: clinical testing. Allele origin: germline.
Comment: The c.1240A>T (p.S414C) alteration is located in exon 4 (coding exon 4) of the ZFP92 gene. This alteration results from a A to T substitution at nucleotide position 1240, causing the serine (S) at amino acid position 414 to be replaced by a cysteine (C). Based on data from gnomAD, the T allele has an overall frequency of 0.005% (1/20910) total alleles studied. The highest observed frequency was 0.01% (1/10287) of European (non-Finnish) alleles. Based on insufficient or conflicting evidence, the clinical significance of this alteration remains unclear.

NM_001136273.2(ZFP92):c.1240A>T (p.Ser414Cys)

Gene: ZFP92 (ZFP92 zinc finger protein; plus strand). Cytogenetic location: Xq28.
Variant type: single nucleotide variant.
Coding change: c.1240A>T on transcript NM_001136273.2 (MANE Select); coding-DNA position 1240, A replaced by T.
Protein change: p.Ser414Cys; replaces serine 414 with cysteine.
Molecular consequence: missense variant.
Genome position (GRCh38, 1-based): chrX:153,421,617, A>T. VCF-style: chrX-153421617-A-T. GRCh37 (hg19) VCF-style: chrX-152687075-A-T.
Other names: c.1114A>T, p.Ser372Cys (NM_001386943.1); c.1240A>T, p.Ser414Cys (NM_001386944.1, NM_001386945.1); short protein forms S372C, S414C.
Identifiers: ClinVar variation 4866891 (VCV004866891.1).
Genomic context (GRCh38, chrX:153,421,617, plus strand): 5'-AGCGCGGTGGCGGCCACCAGCCCCCCGCGGCCGAGCACAGCCGCCAGGCCTTCCAGGCCC[A>T]GCCGCCGCTGACTCCCCGCCAGCGCACCCAGGGCGCGGCCGGTCTGCGTGGGGGGCCTTC-3'
Protein context (NP_001129745.1, residues 404-416): PSTAARPSRP[Ser414Cys]RR